The following is an entry in ClinVar:

NM_000135.4(FANCA):c.2151+7G>A

Gene: FANCA (FA complementation group A; minus strand). Cytogenetic location: 16q24.3.
Variant type: single nucleotide variant.
Coding change: c.2151+7G>A on transcript NM_000135.4 (MANE Select); 7 bases into the intron after coding-DNA position 2151, G replaced by A.
Molecular consequence: intron variant.
Genome position (GRCh38, 1-based): chr16:89,771,671, C>T on the plus strand (G>A on the coding strand, the complement: FANCA is on the minus strand). VCF-style: chr16-89771671-C-T. GRCh37 (hg19) VCF-style: chr16-89838079-C-T.
Other names: c.2151+7G>A (NM_000135.3, NM_001286167.3).
Identifiers: ClinVar variation 1124199 (VCV001124199.12), dbSNP rs2039330078, ClinGen allele CA2241911418.

ClinVar aggregate classification (germline): Conflicting classifications of pathogenicity. Review status: criteria provided, conflicting classifications (1 of 4 stars). 3 submissions from 3 submitters: Uncertain significance (1); Likely benign (2). Last evaluated 2025-11-23.

Conditions:
Fanconi anemia (FA). Also called: Fanconi's anemia. Identifiers: Orphanet 84, MedGen C0015625, MeSH D005199, MONDO:0019391.
Fanconi anemia complementation group A (FANCA). Also called: FANCA-Related Fanconi Anemia; Fanconi anemia, group A. Identifiers: Orphanet 84, MedGen C3469521, MONDO:0009215, OMIM 227650.

gnomAD v4.1: 6 of 1,614,104 alleles (0.00037%); highest among the groups gnomAD compares: African/African-American, 0.004%; no homozygotes.

Submissions (3):

Labcorp Genetics (formerly Invitae), Labcorp
Classification: Likely benign for Fanconi anemia. Last evaluated: 2025-11-23. Review status: criteria provided, single submitter. Criteria: Invitae Variant Classification Sherloc (09022015). Collection method: clinical testing. Allele origin: germline.

Quest Diagnostics Nichols Institute San Juan Capistrano
Classification: Uncertain significance. Last evaluated: 2024-08-26. Review status: criteria provided, single submitter. Criteria: Quest Diagnostics criteria. Collection method: clinical testing. Allele origin: unknown.
Comment: The FANCA c.2151+7G>A variant has not been reported in individuals with FANCA-related conditions in the published literature. It also has not been reported in large, multi-ethnic general populations (Genome Aggregation Database). Analysis of this variant using software algorithms for the prediction of the effect of nucleotide changes on splicing yielded predictions that this variant does not affect FANCA mRNA splicing. Based on the available information, we are unable to determine the clinical significance of this variant.

Fulgent Genetics
Classification: Likely benign for Fanconi anemia complementation group A. Last evaluated: 2021-08-04. Review status: criteria provided, single submitter. Criteria: ACMG Guidelines, 2015. Collection method: clinical testing. Allele origin: unknown.